The following is an entry in ClinVar:

NM_000018.4(ACADVL):c.878+8A>C

Gene: ACADVL (acyl-CoA dehydrogenase very long chain; plus strand). Cytogenetic location: 17p13.1.
Variant type: single nucleotide variant.
Coding change: c.878+8A>C on transcript NM_000018.4 (MANE Select); 8 bases into the intron after coding-DNA position 878, A replaced by C.
Molecular consequence: intron variant.
Genome position (GRCh38, 1-based): chr17:7,222,310, A>C. VCF-style: chr17-7222310-A-C. GRCh37 (hg19) VCF-style: chr17-7125629-A-C.
Other names: c.947+8A>C (NM_001270447.2); c.650+8A>C (NM_001270448.2); c.812+8A>C (NM_001033859.3); c.878+8A>C (NM_000018.3).
Identifiers: ClinVar variation 1126054 (VCV001126054.11), dbSNP rs910644475, ClinGen allele CA624693737.
Genomic context (GRCh38, chr17:7,222,310, plus strand): 5'-AAGGAGAAGATCACAGCTTTTGTGGTGGAGAGGGGCTTCGGGGGCATTACCCAGTGAGTG[A>C]ATTTGGGTTGGGGGAGCTTAGGACTGAGGGGCAGGACTGGGCTCCTGGGCAGATGGCTGT-3'

ClinVar aggregate classification (germline): Likely benign. Review status: criteria provided, single submitter (1 of 4 stars). 2 submissions from 2 submitters: Likely benign (1). 1 of the submissions does not count toward it. Last evaluated 2025-12-09.

Conditions:
Very long chain acyl-CoA dehydrogenase deficiency (ACADVLD). Also called: VLCAD Deficiency; Very Long-Chain Acyl-Coenzyme A Dehydrogenase Deficiency. Identifiers: Orphanet 26793, MedGen C3887523, MONDO:0008723, OMIM 201475.
ACADVL-related disorder. Also called: ACADVL-related condition.

Allele frequency attached by ClinVar (database versions not stated): gnomAD 0.00001.
gnomAD v4.1: 2 of 1,613,234 alleles (0.00012%); highest among the groups gnomAD compares: African/African-American, 0.0027%; no homozygotes.

Submissions (2):

Labcorp Genetics (formerly Invitae), Labcorp
Classification: Likely benign for Very long chain acyl-CoA dehydrogenase deficiency. Last evaluated: 2025-12-09. Review status: criteria provided, single submitter. Criteria: Invitae Variant Classification Sherloc (09022015). Collection method: clinical testing. Allele origin: germline.

PreventionGenetics, part of Exact Sciences
Classification: Likely benign for ACADVL-related condition. Last evaluated: 2020-10-19. Review status: no assertion criteria provided. Collection method: clinical testing. Allele origin: germline. Not counted in ClinVar's aggregate classification.
Comment: This variant is classified as likely benign based on ACMG/AMP sequence variant interpretation guidelines (Richards et al. 2015 PMID: 25741868, with internal and published modifications).